The following is an entry in ClinVar:

ClinVar aggregate classification (germline): Uncertain significance. Review status: criteria provided, multiple submitters, no conflicts (2 of 4 stars). 2 submissions from 2 submitters: Uncertain significance (2). Last evaluated 2024-12-23.

Allele frequency attached by ClinVar (database versions not stated): gnomAD 0.00001; gnomAD exomes 0.00001; ExAC 0.00002; TOPMed 0.00002.
gnomAD v4.1: 19 of 1,613,666 alleles (0.0012%); highest among the groups gnomAD compares: Middle Eastern, 0.049%; no homozygotes.

Submissions (2):

Labcorp Genetics (formerly Invitae), Labcorp
Classification: Uncertain significance. Last evaluated: 2024-12-23. Review status: criteria provided, single submitter. Criteria: Invitae Variant Classification Sherloc (09022015). Collection method: clinical testing. Allele origin: germline.
Comment: This sequence change replaces arginine, which is basic and polar, with glutamine, which is neutral and polar, at codon 60 of the KANK2 protein (p.Arg60Gln). This variant is present in population databases (rs769421557, gnomAD 0.01%). This variant has not been reported in the literature in individuals affected with KANK2-related conditions. ClinVar contains an entry for this variant (Variation ID: 2175431). An algorithm developed to predict the effect of missense changes on protein structure and function (PolyPhen-2) suggests that this variant is likely to be disruptive. In summary, the available evidence is currently insufficient to determine the role of this variant in disease. Therefore, it has been classified as a Variant of Uncertain Significance.

Blueprint Genetics
Classification: Uncertain significance. Last evaluated: 2024-05-06. Review status: criteria provided, single submitter. Criteria: ACMG Guidelines, 2015. Collection method: clinical testing. Allele origin: germline.

NM_001136191.3(KANK2):c.179G>A (p.Arg60Gln)

Gene: KANK2 (KN motif and ankyrin repeat domains 2; minus strand). Cytogenetic location: 19p13.2.
Variant type: single nucleotide variant.
Coding change: c.179G>A on transcript NM_001136191.3 (MANE Select); coding-DNA position 179, G replaced by A.
Protein change: p.Arg60Gln; replaces arginine 60 with glutamine.
Molecular consequence: missense variant.
Genome position (GRCh38, 1-based): chr19:11,193,901, C>T on the plus strand (G>A on the coding strand, the complement: KANK2 is on the minus strand). VCF-style: chr19-11193901-C-T. GRCh37 (hg19) VCF-style: chr19-11304577-C-T.
Other names: c.179G>A, p.Arg60Gln (NM_001329451.2, NM_001379548.1, NM_001379549.1 and 15 more transcripts); short protein forms R60Q.
Identifiers: ClinVar variation 2175431 (VCV002175431.5), dbSNP rs769421557, ClinGen allele CA9206141.
Genomic context (GRCh38, chr19:11,193,901, plus strand): 5'-CAGGAGCCAGGGCCACGGGGCAGCGAGCTCAGGCGGGGGCGGCGCTGCACTGCCACGCGT[C>T]GCAGCGTGTGGCCCTTCTCGATGTCATCCACGTACTTGAGGAAGTCCAGGTCCAGGCGGT-3'
Protein context (NP_001129663.1, residues 50-70): VDDIEKGHTL[Arg60Gln]RVAVQRRPRL